The following is an entry in ClinVar:

NC_000001.10:g.(?_183212272)_(183212545_?)del

Gene: LAMC2 (laminin subunit gamma 2; plus strand). Cytogenetic location: 1q25.3.
Variant type: Deletion.
Identifiers: ClinVar variation 2425373 (VCV002425373.3).

ClinVar aggregate classification (germline): Pathogenic (1 of 4 stars; one submission).

Submission:

Labcorp Genetics (formerly Invitae), Labcorp
Classification: Pathogenic. Last evaluated: 2022-03-19. Review status: criteria provided, single submitter. Criteria: Invitae Variant Classification Sherloc (09022015). Collection method: clinical testing. Allele origin: germline.
Comment: For these reasons, this variant has been classified as Pathogenic. This variant disrupts a region of the LAMC2 protein in which other variant(s) (p.Thr1132Asnfs*38) have been determined to be pathogenic (PMID: 11564184). This suggests that this is a clinically significant region of the protein, and that variants that disrupt it are likely to be disease-causing. This variant has not been reported in the literature in individuals affected with LAMC2-related conditions. This variant is a gross deletion of the genomic region encompassing exon(s) 23 of the LAMC2 gene, which includes the termination codon. This deletion extends beyond the assayed region for this gene and therefore may encompass additional genes. While this deletion is not anticipated to lead to nonsense mediated decay, it is expected to alter mRNA translation or result in a truncated protein product.

Literature cited by the submitters: PubMed 11564184.